The following is an entry in ClinVar:

ClinVar aggregate classification (germline): Conflicting classifications of pathogenicity. Review status: criteria provided, conflicting classifications (1 of 4 stars). 9 submissions from 9 submitters: Uncertain significance (8); Benign (1). Last evaluated 2026-06-29.

Conditions:
Hirschsprung disease, susceptibility to, 1 (HSCR1). Also called: RET-Related Hirschsprung Disease. Identifiers: Orphanet 388, MedGen C3888239, MONDO:0007723, OMIM 142623.
Hereditary cancer-predisposing syndrome. Also called: Tumor predisposition; Hereditary Cancer Syndrome; Hereditary neoplastic syndrome; Neoplastic Syndromes, Hereditary. Identifiers: Orphanet 140162, MedGen C0027672, MeSH D009386, MONDO:0015356.
Multiple endocrine neoplasia type 2B. Also called: WAGENMANN-FROBOESE SYNDROME; MULTIPLE ENDOCRINE NEOPLASIA, TYPE III; MULTIPLE ENDOCRINE NEOPLASIA, TYPE IIB; MEN IIB; NEUROMATA, MUCOSAL, WITH ENDOCRINE TUMORS; MEN 2B. Identifiers: Orphanet 247709, Orphanet 653, MedGen C0025269, MeSH D018814, MONDO:0008082, OMIM 162300.
Pheochromocytoma. Also called: MAX-Related Hereditary Paraganglioma-Pheochromocytoma Syndrome. Identifiers: Orphanet 29072, MedGen C0031511, MONDO:0008233, OMIM 171300, HP:0002666.
Familial medullary thyroid carcinoma (MTC). Also called: Thyroid cancer, familial medullary; MTC, familial; Familial Medullary Thyroid Carcinoma (FMTC). Identifiers: Orphanet 653, Orphanet 99361, MedGen C1833921, MONDO:0007958, OMIM 155240.
Congenital central hypoventilation. Also called: Congenital Central Hypoventilation Syndrome. Identifiers: Orphanet 661, Orphanet 99803, MedGen C1275808, MONDO:0800031. Disease mechanism: gain of function.
Multiple endocrine neoplasia type 2A. Also called: Multiple Endocrine Neoplasia Type 2A (MEN2A); MULTIPLE ENDOCRINE NEOPLASIA, TYPE IIA; PTC SYNDROME; SIPPLE SYNDROME; MEN 2A; MEN-2A syndrome. Identifiers: Orphanet 247698, Orphanet 653, MedGen C0025268, MeSH D018813, MONDO:0008234, OMIM 171400.
Multiple endocrine neoplasia, type 2 (MEN2). Identifiers: Orphanet 653, MedGen C4048306, MONDO:0019003. Disease mechanism: gain of function.

Allele frequency attached by ClinVar (database versions not stated): ExAC 0.00001; gnomAD 0.00001; TOPMed 0.00002.
gnomAD v4.1: 11 of 1,613,804 alleles (0.00068%); highest among the groups gnomAD compares: South Asian, 0.0033%; no homozygotes.

Submissions (9):

Ambry Genetics
Classification: Benign for Hereditary cancer-predisposing syndrome. Last evaluated: 2026-06-29. Review status: criteria provided, single submitter. Criteria: Ambry Variant Classification Scheme 2023. Collection method: clinical testing. Allele origin: germline.

St. Jude Molecular Pathology, St. Jude Children's Research Hospital
Classification: Uncertain significance for Multiple endocrine neoplasia type 2A. Last evaluated: 2026-02-11. Review status: criteria provided, single submitter. Criteria: St. Jude Assertion Criteria 2020. Collection method: clinical testing. Allele origin: germline.
Comment: The RET c.1151C>G p.(Pro384Arg) missense change has a maximum subpopulation frequency of 0.003% in gnomAD v2.1.1. The in silico tool REVEL is inconclusive about a pathogenic or benign effect of this variant on protein function, and to our knowledge functional studies have not been performed. To our knowledge, this variant has not been reported in the literature in individuals with multiple endocrine neoplasia type II. In summary, the evidence currently available is insufficient to determine the clinical significance of this variant. It has therefore been classified as of uncertain significance.

Labcorp Genetics (formerly Invitae), Labcorp
Classification: Uncertain significance for Multiple endocrine neoplasia, type 2. Last evaluated: 2025-12-30. Review status: criteria provided, single submitter. Criteria: Invitae Variant Classification Sherloc (09022015). Collection method: clinical testing. Allele origin: germline.
Comment: This sequence change replaces proline, which is neutral and non-polar, with arginine, which is basic and polar, at codon 384 of the RET protein (p.Pro384Arg). This variant is present in population databases (rs771679592, gnomAD 0.003%). This variant has not been reported in the literature in individuals affected with RET-related conditions. ClinVar contains an entry for this variant (Variation ID: 405529). An algorithm developed to predict the effect of missense changes on protein structure and function (PolyPhen-2) suggests that this variant is likely to be disruptive. In summary, the available evidence is currently insufficient to determine the role of this variant in disease. Therefore, it has been classified as a Variant of Uncertain Significance.

Color Diagnostics, LLC DBA Color Health
Classification: Uncertain significance for Multiple endocrine neoplasia, type 2. Last evaluated: 2025-09-10. Review status: criteria provided, single submitter. Criteria: ACMG Guidelines, 2015. Collection method: clinical testing. Allele origin: germline.
Comment: This missense variant replaces proline with arginine at codon 384 of the RET protein. Computational predictions are inconclusive regarding the impact of this variant on protein structure and function. To our knowledge, functional studies have not been reported for this variant. This variant has not been reported in individuals affected with RET-related disorders in the literature. This variant has been identified in 2/251018 chromosomes in the general population by the Genome Aggregation Database (gnomAD). The available evidence is insufficient to determine the role of this variant in disease conclusively. Therefore, this variant is classified as a Variant of Uncertain Significance.

Baylor Genetics
Classification: Uncertain significance for Hirschsprung disease, susceptibility to, 1. Last evaluated: 2023-10-16. Review status: criteria provided, single submitter. Criteria: ACMG Guidelines, 2015. Collection method: clinical testing. Allele origin: unknown.

GeneDx
Classification: Uncertain significance. Last evaluated: 2023-08-17. Review status: criteria provided, single submitter. Criteria: GeneDx Variant Classification Process June 2021. Collection method: clinical testing. Allele origin: germline. Affected: yes.
Comment: Not observed at significant frequency in large population cohorts (gnomAD); In silico analysis supports that this missense variant has a deleterious effect on protein structure/function; Has not been previously published as pathogenic or benign to our knowledge; This variant is associated with the following publications: (PMID: 14633923)

Quest Diagnostics Nichols Institute San Juan Capistrano
Classification: Uncertain significance. Last evaluated: 2021-08-11. Review status: criteria provided, single submitter. Criteria: Quest Diagnostics criteria. Collection method: clinical testing. Allele origin: unknown.

Fulgent Genetics
Classification: Uncertain significance for Hirschsprung disease, susceptibility to, 1; Familial medullary thyroid carcinoma; Multiple endocrine neoplasia type 2B; Pheochromocytoma; Multiple endocrine neoplasia type 2A; Central hypoventilation syndrome, congenital, 1, with or without Hirschsprung disease. Last evaluated: 2018-10-31. Review status: criteria provided, single submitter. Criteria: ACMG Guidelines, 2015. Collection method: clinical testing. Allele origin: unknown.

PreventionGenetics, part of Exact Sciences
Classification: Uncertain significance. Last evaluated: 2017-04-13. Review status: criteria provided, single submitter. Criteria: ACMG Guidelines, 2015. Collection method: clinical testing. Allele origin: germline.

NM_020975.6(RET):c.1151C>G (p.Pro384Arg)

Gene: RET (ret proto-oncogene; plus strand). Cytogenetic location: 10q11.21.
Variant type: single nucleotide variant.
Coding change: c.1151C>G on transcript NM_020975.6 (MANE Select); coding-DNA position 1151, C replaced by G.
Protein change: p.Pro384Arg; replaces proline 384 with arginine.
Molecular consequence: missense variant.
Genome position (GRCh38, 1-based): chr10:43,109,118, C>G. VCF-style: chr10-43109118-C-G. GRCh37 (hg19) VCF-style: chr10-43604566-C-G.
Other names: c.1151C>G, p.Pro384Arg (NM_000323.2, NM_001406743.1, NM_001406744.1 and 6 more transcripts); c.389C>G, p.Pro130Arg (NM_001355216.2); c.1022C>G, p.Pro341Arg (NM_001406761.1, NM_001406762.1, NM_001406764.1 and 1 more transcripts); c.863C>G, p.Pro288Arg (NM_001406766.1, NM_001406767.1, NM_001406770.1); c.713C>G, p.Pro238Arg (NM_001406771.1, NM_001406773.1); c.425C>G, p.Pro142Arg (NM_001406775.1, NM_001406776.1, NM_001406777.1 and 1 more transcripts); c.161C>G, p.Pro54Arg (NM_001406784.1); c.1151C>G (NM_020630.5); short protein forms P384R, P130R, P238R, P341R, P142R, P288R, P54R.
Identifiers: ClinVar variation 405529 (VCV000405529.27), dbSNP rs771679592, ClinGen allele CA031895.